The following is an entry in ClinVar:

ClinVar aggregate classification (germline): Uncertain significance. Review status: criteria provided, multiple submitters, no conflicts (2 of 4 stars). 2 submissions from 2 submitters: Uncertain significance (2). Last evaluated 2026-03-16.

Submissions (2):

Ambry Genetics
Classification: Uncertain significance. Last evaluated: 2026-03-16. Review status: criteria provided, single submitter. Criteria: Ambry Variant Classification Scheme 2023. Collection method: clinical testing. Allele origin: germline.
Comment: The p.T76S variant (also known as c.226A>T), located in coding exon 4 of the RPS20 gene, results from an A to T substitution at nucleotide position 226. The threonine at codon 76 is replaced by serine, an amino acid with similar properties. This amino acid position is conserved. In addition, the in silico prediction for this alteration is inconclusive. Based on the available evidence, the clinical significance of this variant remains unclear.

Labcorp Genetics (formerly Invitae), Labcorp
Classification: Uncertain significance. Last evaluated: 2025-07-14. Review status: criteria provided, single submitter. Criteria: Invitae Variant Classification Sherloc (09022015). Collection method: clinical testing. Allele origin: germline.
Comment: This sequence change replaces threonine, which is neutral and polar, with serine, which is neutral and polar, at codon 76 of the RPS20 protein (p.Thr76Ser). This variant is not present in population databases (gnomAD no frequency). This variant has not been reported in the literature in individuals affected with RPS20-related conditions. ClinVar contains an entry for this variant (Variation ID: 844574). An algorithm developed to predict the effect of missense changes on protein structure and function (PolyPhen-2) suggests that this variant is likely to be tolerated. In summary, the available evidence is currently insufficient to determine the role of this variant in disease. Therefore, it has been classified as a Variant of Uncertain Significance.

NM_001023.4(RPS20):c.226A>T (p.Thr76Ser)

Gene: RPS20 (ribosomal protein S20; minus strand). Cytogenetic location: 8q12.1.
Variant type: single nucleotide variant.
Coding change: c.226A>T on transcript NM_001023.4 (MANE Select); coding-DNA position 226, A replaced by T.
Protein change: p.Thr76Ser; replaces threonine 76 with serine.
Molecular consequence: missense variant.
Genome position (GRCh38, 1-based): chr8:56,073,224, T>A on the plus strand (A>T on the coding strand, the complement: RPS20 is on the minus strand). VCF-style: chr8-56073224-T-A. GRCh37 (hg19) VCF-style: chr8-56985783-T-A.
Other names: c.226A>T, p.Thr76Ser (NM_001146227.3); short protein forms T76S.
Identifiers: ClinVar variation 844574 (VCV000844574.10), dbSNP rs1809816026, ClinGen allele CA371283120.